The following is an entry in ClinVar:

ClinVar aggregate classification (germline): Pathogenic (1 of 4 stars; one submission).

Conditions:
Complement component 7 deficiency (C7D). Also called: C7 DEFICIENCY. Identifiers: MedGen C1864694, MONDO:0012412, OMIM 610102.

Submission:

New York Genome Center
Classification: Pathogenic for Complement component 7 deficiency. Last evaluated: 2023-05-01. Review status: criteria provided, single submitter. Criteria: NYGC Assertion Criteria 2020. Collection method: clinical testing. Allele origin: inherited. Observed: 1 variant allele, 1 compound heterozygote.
Comment: An approximately ~129Kb inherited interstitial deletion was identified on the short arm of chromosome 5. The deleted region contains the entire C7 gene as well as the last 7 exons of MROH2B (the centromeric breakpoint of this deletion is in exon 36 of MROH2B). MROH2B is not an OMIM disease gene. Biallelic pathogenic variants in C7 are associated with autosomal recessive complement component 7 deficiency, [MIM# 610102] characterized by an increased susceptibility to recurrent bacterial infections, especially meningitis caused by Neisseria meningitidis. Based on available evidence this inherited ~129Kb deletion identified in the C7 gene is classified as Pathogenic.

GRCh38/hg38 5p13.1(chr5:40875740-41004828)x1

Genes: C7 (complement C7; plus strand), MROH2B (maestro heat like repeat family member 2B; minus strand), LOC126807373 (BRD4-independent group 4 enhancer GRCh37_chr5:40877367-40878566; plus strand). Cytogenetic location: 5p13.1.
Variant type: copy number loss.
Change: copy number 1 (one copy instead of two) of chr5:40,875,740-41,004,828 (129.1 kb, GRCh38 coordinates, 1-based), cytogenetic band 5p13.1.
Identifiers: ClinVar variation 4888333 (VCV004888333.1).